The following is an entry in ClinVar:

NM_000080.4(CHRNE):c.237T>A (p.Asp79Glu)

Genes: C17orf107 (chromosome 17 open reading frame 107; plus strand), CHRNE (cholinergic receptor nicotinic epsilon subunit; minus strand). Cytogenetic location: 17p13.2.
Variant type: single nucleotide variant.
Coding change: c.237T>A on transcript NM_000080.4 (MANE Select); coding-DNA position 237, T replaced by A.
Protein change: p.Asp79Glu; replaces aspartic acid 79 with glutamic acid.
Molecular consequence: missense variant. On other transcripts: 3 prime UTR variant (1).
Genome position (GRCh38, 1-based): chr17:4,902,324, A>T on the plus strand (T>A on the coding strand, the complement: CHRNE is on the minus strand). VCF-style: chr17-4902324-A-T. GRCh37 (hg19) VCF-style: chr17-4805619-A-T.
Other names: c.*1791A>T (NM_001145536.2); short protein forms D79E.
Identifiers: ClinVar variation 3363554 (VCV003363554.1).

ClinVar aggregate classification (germline): Uncertain significance (1 of 4 stars; one submission).

Submission:

GeneDx
Classification: Uncertain significance. Last evaluated: 2023-10-26. Review status: criteria provided, single submitter. Criteria: GeneDx Variant Classification Process June 2021. Collection method: clinical testing. Allele origin: germline. Affected: yes.
Comment: Not observed at significant frequency in large population cohorts (gnomAD); In silico analysis supports that this missense variant does not alter protein structure/function; Has not been previously published as pathogenic or benign to our knowledge